The following is an entry in ClinVar:

NM_003742.4(ABCB11):c.1418A>T (p.Asp473Val)

Gene: ABCB11 (ATP binding cassette subfamily B member 11; minus strand). Cytogenetic location: 2q31.1.
Variant type: single nucleotide variant.
Coding change: c.1418A>T on transcript NM_003742.4 (MANE Select); coding-DNA position 1418, A replaced by T.
Protein change: p.Asp473Val; replaces aspartic acid 473 with valine.
Molecular consequence: missense variant.
Genome position (GRCh38, 1-based): chr2:168,973,731, T>A on the plus strand (A>T on the coding strand, the complement: ABCB11 is on the minus strand). VCF-style: chr2-168973731-T-A. GRCh37 (hg19) VCF-style: chr2-169830241-T-A.
Other names: short protein forms D473V.
Identifiers: ClinVar variation 4845970 (VCV004845970.1).

ClinVar aggregate classification (germline): Uncertain significance (1 of 4 stars; one submission).

Conditions:
Familial intrahepatic cholestasis. Identifiers: Orphanet 284385, MedGen CN296401, MONDO:0017290.

Submission:

Genomenon, Inc
Classification: Uncertain significance for Familial intrahepatic cholestasis. Last evaluated: 2026-04-14. Review status: criteria provided, single submitter. Criteria: Genomenon Sequence Variant Interpretation Standards - Updated. Collection method: curation. Allele origin: germline. Affected: yes.
Comment: ABCB11 p.Asp473Val (c.1418A>T) is a missense variant that changes the amino acid at residue 473 from Aspartic acid to Valine. This variant has been observed in at least one proband with an ABCB11-related disorder (PMID:28733223). It is absent or not present at a significant frequency in gnomAD. In silico models predict that this variant is possibly or probably damaging. In conclusion, we classify ABCB11 p.Asp473Val (c.1418A>T) as a variant of uncertain significance.

Literature cited by the submitters: PubMed 28733223.